The following is an entry in ClinVar:

NM_001854.4(COL11A1):c.2809-2A>C

Gene: COL11A1 (collagen type XI alpha 1 chain; minus strand). Cytogenetic location: 1p21.1.
Variant type: single nucleotide variant.
Coding change: c.2809-2A>C on transcript NM_001854.4 (MANE Select); the canonical splice acceptor site of the intron before coding-DNA position 2809, A replaced by C.
Molecular consequence: splice acceptor variant.
Genome position (GRCh38, 1-based): chr1:102,970,274, T>G on the plus strand (A>C on the coding strand, the complement: COL11A1 is on the minus strand). VCF-style: chr1-102970274-T-G. GRCh37 (hg19) VCF-style: chr1-103435830-T-G.
Other names: c.2692-2A>C (NM_001190709.2); c.2845-2A>C (NM_080629.3); c.2461-2A>C (NM_080630.4).
Identifiers: ClinVar variation 2109526 (VCV002109526.4), dbSNP rs1661835277, ClinGen allele CA341160848.
Genomic context (GRCh38, chr1:102,970,274, plus strand): 5'-CTTACAGTCTCCCCACGTTGCCCAGGGTGTCCTGGCAGCCCATCCTTCCCAGGTGGTCCC[T>G]GAAATTACAAATATTAAATACCACATGTCATAAATATTTAATTATTTTATAGTCTAAATG-3'

ClinVar aggregate classification (germline): Pathogenic (1 of 4 stars; one submission).

Submission:

Labcorp Genetics (formerly Invitae), Labcorp
Classification: Pathogenic. Last evaluated: 2022-03-11. Review status: criteria provided, single submitter. Criteria: Invitae Variant Classification Sherloc (09022015). Collection method: clinical testing. Allele origin: germline.
Comment: For these reasons, this variant has been classified as Pathogenic. Studies have shown that disruption of this splice site results in skipping of exon 37, but is expected to preserve the integrity of the reading-frame (PMID: 33348901). Disruption of this splice site has been observed in individual(s) with autosomal dominant Stickler syndrome (PMID: 33348901). In at least one individual the variant was observed to be de novo. This variant is not present in population databases (gnomAD no frequency). This sequence change affects an acceptor splice site in intron 36 of the COL11A1 gene. RNA analysis indicates that disruption of this splice site induces altered splicing and likely results in a shortened protein product.

Literature cited by the submitters: PubMed 33348901.